The following is an entry in ClinVar:

ClinVar aggregate classification (germline): Conflicting classifications of pathogenicity. Review status: criteria provided, conflicting classifications (1 of 4 stars). 3 submissions from 3 submitters: Uncertain significance (2); Likely benign (1). Last evaluated 2023-12-19.

Conditions:
Familial thoracic aortic aneurysm and aortic dissection (TAAD). Also called: Thoracic aortic aneurysms and dissections. Identifiers: Orphanet 91387, MedGen C4707243, MONDO:0019625.
Congenital contractural arachnodactyly (CCA). Also called: Beals-Hecht syndrome; BEALS SYNDROME; Arthrogryposis, distal, type 9. Identifiers: Orphanet 115, MedGen C0220668, MONDO:0007363, OMIM 121050.

Allele frequency attached by ClinVar (database versions not stated): gnomAD 0.00001.
gnomAD v4.1: 5 of 1,613,418 alleles (0.00031%); highest among the groups gnomAD compares: Non-Finnish European, 0.00025%; no homozygotes.

Submissions (3):

GeneDx
Classification: Uncertain significance. Last evaluated: 2023-12-19. Review status: criteria provided, single submitter. Criteria: GeneDx Variant Classification Process June 2021. Collection method: clinical testing. Allele origin: germline. Affected: yes.
Comment: Not observed at significant frequency in large population cohorts (gnomAD); In silico analysis supports that this missense variant has a deleterious effect on protein structure/function; Has not been previously published as pathogenic or benign to our knowledge

Ambry Genetics
Classification: Uncertain significance for Familial thoracic aortic aneurysm and aortic dissection. Last evaluated: 2023-11-21. Review status: criteria provided, single submitter. Criteria: Ambry Variant Classification Scheme 2023. Collection method: clinical testing. Allele origin: germline.
Comment: The p.G2552E variant (also known as c.7655G>A), located in coding exon 60 of the FBN2 gene, results from a G to A substitution at nucleotide position 7655. The glycine at codon 2552 is replaced by glutamic acid, an amino acid with similar properties. This amino acid position is highly conserved in available vertebrate species. In addition, this alteration is predicted to be deleterious by in silico analysis. Since supporting evidence is limited at this time, the clinical significance of this alteration remains unclear.

Labcorp Genetics (formerly Invitae), Labcorp
Classification: Likely benign for Congenital contractural arachnodactyly. Last evaluated: 2018-01-22. Review status: criteria provided, single submitter. Criteria: Invitae Variant Classification Sherloc (09022015). Collection method: clinical testing. Allele origin: germline.

NM_001999.4(FBN2):c.7655G>A (p.Gly2552Glu)

Gene: FBN2 (fibrillin 2; minus strand). Cytogenetic location: 5q23.3.
Variant type: single nucleotide variant.
Coding change: c.7655G>A on transcript NM_001999.4 (MANE Select); coding-DNA position 7655, G replaced by A.
Protein change: p.Gly2552Glu; replaces glycine 2552 with glutamic acid.
Molecular consequence: missense variant.
Genome position (GRCh38, 1-based): chr5:128,274,623, C>T on the plus strand (G>A on the coding strand, the complement: FBN2 is on the minus strand). VCF-style: chr5-128274623-C-T. GRCh37 (hg19) VCF-style: chr5-127610315-C-T.
Other names: short protein forms G2552E.
Identifiers: ClinVar variation 528408 (VCV000528408.11), dbSNP rs1473525001, ClinGen allele CA360753269.